The following is an entry in ClinVar:

ClinVar aggregate classification (germline): Uncertain significance. Review status: criteria provided, multiple submitters, no conflicts (2 of 4 stars). 3 submissions from 3 submitters: Uncertain significance (3). Last evaluated 2025-11-06.

Conditions:
Hereditary nonpolyposis colorectal neoplasms. Identifiers: MedGen C0009405, MeSH D003123.
Hereditary cancer-predisposing syndrome. Also called: Hereditary Cancer Syndrome; Hereditary neoplastic syndrome; Tumor predisposition; Neoplastic Syndromes, Hereditary. Identifiers: Orphanet 140162, MedGen C0027672, MeSH D009386, MONDO:0015356.

Submissions (3):

Ambry Genetics
Classification: Uncertain significance for Hereditary cancer-predisposing syndrome. Last evaluated: 2025-11-06. Review status: criteria provided, single submitter. Criteria: Ambry Variant Classification Scheme 2023. Collection method: clinical testing. Allele origin: germline.
Comment: The p.L811F variant (also known as c.2431C>T), located in coding exon 4 of the MSH6 gene, results from a C to T substitution at nucleotide position 2431. The leucine at codon 811 is replaced by phenylalanine, an amino acid with highly similar properties. This amino acid position is well conserved in available vertebrate species. In addition, the in silico prediction for this alteration is inconclusive. Based on the available evidence, the clinical significance of this variant remains unclear.

Color Diagnostics, LLC DBA Color Health
Classification: Uncertain significance for Hereditary cancer-predisposing syndrome. Last evaluated: 2024-04-11. Review status: criteria provided, single submitter. Criteria: ACMG Guidelines, 2015. Collection method: clinical testing. Allele origin: germline.
Comment: This missense variant replaces leucine with phenylalanine at codon 811 of the MSH6 protein. Computational prediction suggests that this variant may not impact protein structure and function (internally defined REVEL score threshold <= 0.5, PMID: 27666373). To our knowledge, functional studies have not been reported for this variant. This variant has not been reported in individuals affected with MSH6-related disorders in the literature. This variant has not been identified in the general population by the Genome Aggregation Database (gnomAD). The available evidence is insufficient to determine the role of this variant in disease conclusively. Therefore, this variant is classified as a Variant of Uncertain Significance.

Labcorp Genetics (formerly Invitae), Labcorp
Classification: Uncertain significance for Hereditary nonpolyposis colorectal neoplasms. Last evaluated: 2021-05-08. Review status: criteria provided, single submitter. Criteria: Invitae Variant Classification Sherloc (09022015). Collection method: clinical testing. Allele origin: germline.
Comment: In summary, the available evidence is currently insufficient to determine the role of this variant in disease. Therefore, it has been classified as a Variant of Uncertain Significance. Algorithms developed to predict the effect of missense changes on protein structure and function are either unavailable or do not agree on the potential impact of this missense change (SIFT: "Tolerated"; PolyPhen-2: "Probably Damaging"; Align-GVGD: "Class C0"). This variant has not been reported in the literature in individuals with MSH6-related conditions. This variant is not present in population databases (ExAC no frequency). This sequence change replaces leucine with phenylalanine at codon 811 of the MSH6 protein (p.Leu811Phe). The leucine residue is moderately conserved and there is a small physicochemical difference between leucine and phenylalanine.

NM_000179.3(MSH6):c.2431C>T (p.Leu811Phe)

Gene: MSH6 (mutS homolog 6; plus strand). Cytogenetic location: 2p16.3.
Variant type: single nucleotide variant.
Coding change: c.2431C>T on transcript NM_000179.3 (MANE Select); coding-DNA position 2431, C replaced by T.
Protein change: p.Leu811Phe; replaces leucine 811 with phenylalanine.
Molecular consequence: missense variant.
Genome position (GRCh38, 1-based): chr2:47,800,414, C>T. VCF-style: chr2-47800414-C-T. GRCh37 (hg19) VCF-style: chr2-48027553-C-T.
Other names: c.2041C>T, p.Leu681Phe (NM_001281492.2); c.1525C>T, p.Leu509Phe (NM_001281493.2, NM_001281494.2); short protein forms L681F, L811F, L509F.
Identifiers: ClinVar variation 844103 (VCV000844103.15), dbSNP rs1669463455, ClinGen allele CA346754032.